The following is an entry in ClinVar:

ClinVar aggregate classification (germline): Uncertain significance (1 of 4 stars; one submission).

Conditions:
Autosomal recessive distal spinal muscular atrophy 2. Also called: NEURONOPATHY, DISTAL HEREDITARY MOTOR, JERASH TYPE; NEUROPATHY, DISTAL HEREDITARY MOTOR, JERASH TYPE; SPINAL MUSCULAR ATROPHY, JERASH TYPE; Hereditary motor neuropathy, Jerash type; Motor neuropathy, distal, Jerash type; NEUROPATHY, DISTAL HEREDITARY MOTOR, AUTOSOMAL RECESSIVE 2. Identifiers: Orphanet 139552, MedGen C1854023, MONDO:0011585, OMIM 605726.
Amyotrophic lateral sclerosis type 16. Also called: AMYOTROPHIC LATERAL SCLEROSIS 16, JUVENILE. Identifiers: Orphanet 300605, MedGen C3280587, MONDO:0013715, OMIM 614373.

Allele frequency attached by ClinVar (database versions not stated): gnomAD exomes below 0.00001.
gnomAD v4.1: 1 of 1,614,250 alleles (0.000062%); highest among the groups gnomAD compares: Non-Finnish European, 0.000085%; no homozygotes.

Submission:

Labcorp Genetics (formerly Invitae), Labcorp
Classification: Uncertain significance for Autosomal recessive distal spinal muscular atrophy 2; Amyotrophic lateral sclerosis type 16. Last evaluated: 2022-05-22. Review status: criteria provided, single submitter. Criteria: Invitae Variant Classification Sherloc (09022015). Collection method: clinical testing. Allele origin: germline.
Comment: Algorithms developed to predict the effect of missense changes on protein structure and function are either unavailable or do not agree on the potential impact of this missense change (SIFT: "Tolerated"; PolyPhen-2: "Probably Damaging"; Align-GVGD: "Class C0"). This variant has not been reported in the literature in individuals affected with SIGMAR1-related conditions. This variant is not present in population databases (gnomAD no frequency). This sequence change replaces phenylalanine, which is neutral and non-polar, with leucine, which is neutral and non-polar, at codon 191 of the SIGMAR1 protein (p.Phe191Leu). In summary, the available evidence is currently insufficient to determine the role of this variant in disease. Therefore, it has been classified as a Variant of Uncertain Significance.

NM_005866.4(SIGMAR1):c.571T>C (p.Phe191Leu)

Gene: SIGMAR1 (sigma receptor chaperone 1; minus strand). Cytogenetic location: 9p13.3.
Variant type: single nucleotide variant.
Coding change: c.571T>C on transcript NM_005866.4 (MANE Select); coding-DNA position 571, T replaced by C.
Protein change: p.Phe191Leu; replaces phenylalanine 191 with leucine.
Molecular consequence: missense variant. On other transcripts: 3 prime UTR variant (2), non-coding transcript variant (1), intron variant (1).
Genome position (GRCh38, 1-based): chr9:34,635,733, A>G on the plus strand (T>C on the coding strand, the complement: SIGMAR1 is on the minus strand). VCF-style: chr9-34635733-A-G. GRCh37 (hg19) VCF-style: chr9-34635730-A-G.
Other names: c.271T>C, p.Phe91Leu (NM_001282206.2); c.511T>C, p.Phe171Leu (NM_001282207.2); c.*114T>C (NM_001282208.2); c.*98T>C (NM_001282209.2); c.478T>C, p.Phe160Leu (NM_147157.3); c.446-93T>C (NM_001282205.2); short protein forms F91L, F160L, F171L, F191L.
Identifiers: ClinVar variation 2198835 (VCV002198835.4), dbSNP rs2492810315, ClinGen allele CA373272412.